The following is an entry in ClinVar:

NM_000186.4(CFH):c.3514G>T (p.Glu1172Ter)

Gene: CFH (complement factor H; plus strand). Cytogenetic location: 1q31.3.
Variant type: single nucleotide variant.
Coding change: c.3514G>T on transcript NM_000186.4 (MANE Select); coding-DNA position 3514, G replaced by T.
Protein change: p.Glu1172Ter; replaces glutamic acid 1172 with a stop codon.
Molecular consequence: nonsense.
Genome position (GRCh38, 1-based): chr1:196,747,131, G>T. VCF-style: chr1-196747131-G-T. GRCh37 (hg19) VCF-style: chr1-196716261-G-T.
Other names: short protein forms E1172*.
Identifiers: ClinVar variation 16559 (VCV000016559.2), dbSNP rs121913060, ClinGen allele CA257519.

ClinVar aggregate classification (germline): Pathogenic. Review status: criteria provided, single submitter (1 of 4 stars). 2 submissions from 2 submitters: Pathogenic (1). 1 of the submissions does not count toward it. Last evaluated 2025-10-02.

Conditions:
Atypical hemolytic-uremic syndrome. Identifiers: Orphanet 2134, MedGen C2931788, MONDO:0016244.
Hemolytic uremic syndrome, atypical, susceptibility to, 1. Also called: AHUS, SUSCEPTIBILITY TO, 1. Identifiers: Orphanet 2134, Orphanet 90038, MedGen C2749604, MONDO:0009335, OMIM 235400. Disease mechanism: Other.

Allele frequency attached by ClinVar (database versions not stated): 1000 Genomes Project 0.00020; gnomAD exomes below 0.00001 and 0.00001; ExAC 0.00001; gnomAD 0.00001; 1000 Genomes Project 30x 0.00016.
gnomAD v4.1: 3 of 1,613,782 alleles (0.00019%); highest among the groups gnomAD compares: Admixed American, 0.0017%; no homozygotes.

Submissions (2):

Genomenon, Inc
Classification: Pathogenic for Atypical hemolytic-uremic syndrome. Last evaluated: 2025-10-02. Review status: criteria provided, single submitter. Criteria: Genomenon Sequence Variant Interpretation Standards - Updated. Collection method: curation. Allele origin: germline. Affected: yes.
Comment: CFH p.Glu1172Ter (c.3514G>T) is a nonsense variant that introduces a premature stop codon at amino acid position 1172, creating a truncated protein. This variant has been observed in at least one proband affected with atypical hemolytic-uremic syndrome (PMID:14583443;36845135;34852172;26069742;17229916;23027168;15816899;12697737;25037630;24029428). At least one functional study has demonstrated a substantial alteration in protein function relative to the wild-type (PMID:12697737). It is absent or not present at a significant frequency in gnomAD. In conclusion, we classify CFH p.Glu1172Ter (c.3514G>T) as a pathogenic variant.

OMIM
Classification: risk factor for HEMOLYTIC UREMIC SYNDROME, ATYPICAL, SUSCEPTIBILITY TO, 1. Last evaluated: 2003-04-01. Review status: no assertion criteria provided. Collection method: literature only. Allele origin: germline. Not counted in ClinVar's aggregate classification.

Literature cited by the submitters: PubMed 14583443 (cited by Genomenon, Inc); PubMed 36845135 (cited by Genomenon, Inc); PubMed 34852172 (cited by Genomenon, Inc); PubMed 26069742 (cited by Genomenon, Inc); PubMed 17229916 (cited by Genomenon, Inc); PubMed 23027168 (cited by Genomenon, Inc); PubMed 15816899 (cited by Genomenon, Inc); PubMed 12697737 (cited by Genomenon, Inc and OMIM); PubMed 25037630 (cited by Genomenon, Inc); PubMed 24029428 (cited by Genomenon, Inc).